The following is an entry in ClinVar:

ClinVar aggregate classification (germline): Pathogenic (1 of 4 stars; one submission).

Submission:

Labcorp Genetics (formerly Invitae), Labcorp
Classification: Pathogenic. Last evaluated: 2023-07-21. Review status: criteria provided, single submitter. Criteria: Invitae Variant Classification Sherloc (09022015). Collection method: clinical testing. Allele origin: germline.
Comment: For these reasons, this variant has been classified as Pathogenic. ClinVar contains an entry for this variant (Variation ID: 1468857). This variant has not been reported in the literature in individuals affected with EXOSC9-related conditions. This variant is not present in population databases (gnomAD no frequency). This sequence change creates a premature translational stop signal (p.Lys355Argfs*17) in the EXOSC9 gene. It is expected to result in an absent or disrupted protein product. Loss-of-function variants in EXOSC9 are known to be pathogenic (PMID: 29727687, 33040083).

Literature cited by the submitters: PubMed 29727687; PubMed 33040083.

NM_005033.3(EXOSC9):c.1062del (p.Lys355fs)

Gene: EXOSC9 (exosome component 9; plus strand). Cytogenetic location: 4q27.
Variant type: Deletion.
Coding change: c.1062del on transcript NM_005033.3 (MANE Select); coding-DNA position 1062, one base deleted (G; older notation c.1062delG).
Protein change: p.Lys355fs; shifts the reading frame from lysine 355.
Molecular consequence: frameshift variant.
Genome position (GRCh38, 1-based): chr4:121,813,953, G deleted. VCF-style (leftmost placement, unchanged base first): chr4-121813952-AG-A. GRCh37 (hg19) VCF-style: chr4-122735107-AG-A.
Other names: c.1062del, p.Lys355fs (NM_001034194.2); short protein forms K355fs.
Identifiers: ClinVar variation 1468857 (VCV001468857.6), dbSNP rs2149039190, ClinGen allele CA2573137975.